The following is an entry in ClinVar:

ClinVar aggregate classification (germline): Conflicting classifications of pathogenicity. Review status: criteria provided, conflicting classifications (1 of 4 stars). 7 submissions from 7 submitters: Pathogenic (2); Likely pathogenic (1); Uncertain significance (1). 3 of the submissions do not count toward it. Last evaluated 2024-02-27.

Conditions:
Perrault syndrome. Also called: Gonadal dysgenesis with auditory dysfunction, autosomal recessive inheritance. Identifiers: Orphanet 2855, MedGen C0685838, MONDO:0017312.
C10ORF2 & TWNK-related disorders.
Perrault syndrome 5 (PRLTS5). Identifiers: Orphanet 2855, MedGen C4015307, MONDO:0014504, OMIM 616138.

Allele frequency attached by ClinVar (database versions not stated): ExAC 0.00007; TOPMed 0.00008; 1000 Genomes Project 30x 0.00016; gnomAD 0.00001 and 0.00002; 1000 Genomes Project 0.00020; gnomAD exomes 0.00006.

Submissions (7):

Revvity Omics, Revvity
Classification: Uncertain significance. Last evaluated: 2024-02-27. Review status: criteria provided, single submitter. Criteria: ACMG Guidelines, 2015. Collection method: clinical testing. Allele origin: germline.

Labcorp Genetics (formerly Invitae), Labcorp
Classification: Pathogenic. Last evaluated: 2024-01-16. Review status: criteria provided, single submitter. Criteria: Invitae Variant Classification Sherloc (09022015). Collection method: clinical testing. Allele origin: germline.
Comment: This sequence change replaces arginine, which is basic and polar, with histidine, which is basic and polar, at codon 391 of the TWNK protein (p.Arg391His). This variant is present in population databases (rs556445621, gnomAD 0.05%). This missense change has been observed in individuals with autosomal recessive TWNK-related conditions (PMID: 25355836, 32619254, 33095980). It has also been observed to segregate with disease in related individuals. ClinVar contains an entry for this variant (Variation ID: 162048). Advanced modeling of protein sequence and biophysical properties (such as structural, functional, and spatial information, amino acid conservation, physicochemical variation, residue mobility, and thermodynamic stability) performed at Invitae indicates that this missense variant is expected to disrupt TWNK protein function with a positive predictive value of 95%. For these reasons, this variant has been classified as Pathogenic.

Blueprint Genetics
Classification: Pathogenic for C10ORF2 & TWNK-related disorders. Last evaluated: 2023-01-30. Review status: criteria provided, single submitter. Criteria: ACMG Guidelines, 2015. Collection method: clinical testing. Allele origin: germline. Affected: yes. Observed: 3 variant alleles.

Clinical Genetics Service, Universitary Hospital 12 de Octubre
Classification: Likely pathogenic for Perrault syndrome 5. Review status: criteria provided, single submitter. Criteria: ACMG Guidelines, 2015. Collection method: clinical testing. Allele origin: germline. Affected: yes.

Department of Neurology, The Second Affiliated Hospital of Xinjiang Medical University
Classification: Pathogenic for Perrault syndrome 5. Last evaluated: 2026-07-28. Review status: no assertion criteria provided. Collection method: clinical testing. Allele origin: germline. Inheritance: Autosomal recessive inheritance. Affected: yes. Observed: 1 variant allele, 1 compound heterozygote. Not counted in ClinVar's aggregate classification.
Comment: This variant is absent in population databases (gnomAD). In silico prediction tools (PolyPhen-2, SIFT, MutationTaster) consistently predict this variant to be damaging. This variant has been previously reported in a patient with Perrault syndrome with neurological features (Morino et al., Neurology, 2014, PMID: 25355836). Based on ACMG/AMP criteria: PM2 (absent from controls), PM3 (for recessive disorders, detected in trans with a pathogenic variant), PP1 (co-segregation with disease in multiple family members), PP3 (multiple in silico tools predict damaging), and PP4 (patient's phenotype is specific for the disease), we classify this variant as pathogenic.

OMIM
Classification: Pathogenic for PERRAULT SYNDROME 5. Last evaluated: 2014-11-25. Review status: no assertion criteria provided. Collection method: literature only. Allele origin: germline. Not counted in ClinVar's aggregate classification.

GeneReviews
No classification provided. Condition: Perrault syndrome. Review status: no classification provided. Collection method: literature only. Allele origin: germline. Not counted in ClinVar's aggregate classification.

Literature cited by the submitters: PubMed 25355836 (cited by 4 submitters); PubMed 32619254 (cited by Labcorp Genetics (formerly Invitae), Labcorp); PubMed 33095980 (cited by Labcorp Genetics (formerly Invitae), Labcorp).

NM_021830.5(TWNK):c.1172G>A (p.Arg391His)

Gene: TWNK (twinkle mtDNA helicase; plus strand). Cytogenetic location: 10q24.31.
Variant type: single nucleotide variant.
Coding change: c.1172G>A on transcript NM_021830.5 (MANE Select); coding-DNA position 1172, G replaced by A.
Protein change: p.Arg391His; replaces arginine 391 with histidine.
Molecular consequence: missense variant. On other transcripts: non-coding transcript variant (4), intron variant (3).
Genome position (GRCh38, 1-based): chr10:100,989,382, G>A. VCF-style: chr10-100989382-G-A. GRCh37 (hg19) VCF-style: chr10-102749139-G-A.
Other names: c.1172G>A, p.Arg391His (NM_001163812.2); c.-119-262G>A (NM_001163814.2, NM_001163813.2); c.-57-324G>A (NM_001368275.1); short protein forms R391H.
Identifiers: ClinVar variation 162048 (VCV000162048.14), dbSNP rs556445621, ClinGen allele CA174962.